The following is an entry in ClinVar:

ClinVar aggregate classification (germline): Likely benign. Review status: criteria provided, multiple submitters, no conflicts (2 of 4 stars). 2 submissions from 2 submitters: Likely benign (2). Last evaluated 2025-11-16.

Conditions:
Combined immunodeficiency due to DOCK8 deficiency (HIES2). Also called: HYPER-IgE SYNDROME 2, AUTOSOMAL RECESSIVE, WITH RECURRENT INFECTIONS; HIES autosomal recessive; HYPER-IgE RECURRENT INFECTION SYNDROME 2, AUTOSOMAL RECESSIVE; DOCK8 Deficiency; Hyper-IgE recurrent infection syndrome, autosomal recessive. Identifiers: Orphanet 217390, MedGen C4722305, MONDO:0009478, OMIM 243700.

Allele frequency attached by ClinVar (database versions not stated): gnomAD exomes below 0.00001.
gnomAD v4.1: 4 of 1,613,808 alleles (0.00025%); highest among the groups gnomAD compares: Non-Finnish European, 0.00034%; no homozygotes.

Submissions (2):

Labcorp Genetics (formerly Invitae), Labcorp
Classification: Likely benign for Combined immunodeficiency due to DOCK8 deficiency. Last evaluated: 2025-11-16. Review status: criteria provided, single submitter. Criteria: Invitae Variant Classification Sherloc (09022015). Collection method: clinical testing. Allele origin: germline.

CeGaT Center for Human Genetics Tuebingen
Classification: Likely benign. Last evaluated: 2022-04-01. Review status: criteria provided, single submitter. Criteria: CeGaT Center For Human Genetics Tuebingen Variant Classification Criteria Version 2. Collection method: clinical testing. Allele origin: germline. Affected: yes. Observed: 1 variant allele.
Comment: DOCK8: PM2:Supporting, BP4, BP7

NM_203447.4(DOCK8):c.5199G>A (p.Glu1733=)

Gene: DOCK8 (dedicator of cytokinesis 8; plus strand). Cytogenetic location: 9p24.3.
Variant type: single nucleotide variant.
Coding change: c.5199G>A on transcript NM_203447.4 (MANE Select); coding-DNA position 5199, G replaced by A.
Protein change: p.Glu1733=; no amino-acid change (glutamic acid 1733 retained).
Molecular consequence: synonymous variant.
Genome position (GRCh38, 1-based): chr9:439,364, G>A. VCF-style: chr9-439364-G-A. GRCh37 (hg19) VCF-style: chr9-439364-G-A.
Other names: c.4899G>A, p.Glu1633= (NM_001190458.2); c.4995G>A, p.Glu1665= (NM_001193536.2).
Identifiers: ClinVar variation 748964 (VCV000748964.28), dbSNP rs1587052532, ClinGen allele CA463698789.